The following is an entry in ClinVar:

NM_014633.5(CTR9):c.46-3dup

Gene: CTR9 (CTR9 component of Paf1/RNA polymerase II complex; plus strand). Cytogenetic location: 11p15.4.
Variant type: Duplication.
Coding change: c.46-3dup on transcript NM_014633.5 (MANE Select); 3 bases into the intron before coding-DNA position 46, one base duplicated (T; older notation c.46-3dupT).
Molecular consequence: intron variant.
Genome position (GRCh38, 1-based): chr11:10,752,669, T duplicated; the last of 4 consecutive T bases (chr11:10,752,666-10,752,669); duplicating any one gives the same sequence. VCF-style (leftmost placement, unchanged base first): chr11-10752665-A-AT. GRCh37 (hg19) VCF-style: chr11-10774212-A-AT.
Other names: c.46-3dup (NM_001346279.2); c.46-3dupT (NM_014633.4).
Identifiers: ClinVar variation 1111954 (VCV001111954.11), dbSNP rs745549347, ClinGen allele CA5884785.

ClinVar aggregate classification (germline): Likely benign. Review status: criteria provided, single submitter (1 of 4 stars). 2 submissions from 2 submitters: Likely benign (1). 1 of the submissions does not count toward it. Last evaluated 2025-11-27.

Conditions:
CTR9-related disorder. Also called: CTR9-related condition.

Submissions (2):

Labcorp Genetics (formerly Invitae), Labcorp
Classification: Likely benign. Last evaluated: 2025-11-27. Review status: criteria provided, single submitter. Criteria: Invitae Variant Classification Sherloc (09022015). Collection method: clinical testing. Allele origin: germline.

PreventionGenetics, part of Exact Sciences
Classification: Likely benign for CTR9-related condition. Last evaluated: 2020-10-10. Review status: no assertion criteria provided. Collection method: clinical testing. Allele origin: germline. Not counted in ClinVar's aggregate classification.
Comment: This variant is classified as likely benign based on ACMG/AMP sequence variant interpretation guidelines (Richards et al. 2015 PMID: 25741868, with internal and published modifications).